The following is an entry in ClinVar:

NM_002816.5(PSMD12):c.270G>C (p.Leu90Phe)

Gene: PSMD12 (proteasome 26S subunit, non-ATPase 12; minus strand). Cytogenetic location: 17q24.2.
Variant type: single nucleotide variant.
Coding change: c.270G>C on transcript NM_002816.5 (MANE Select); coding-DNA position 270, G replaced by C.
Protein change: p.Leu90Phe; replaces leucine 90 with phenylalanine.
Molecular consequence: missense variant.
Genome position (GRCh38, 1-based): chr17:67,357,330, C>G on the plus strand (G>C on the coding strand, the complement: PSMD12 is on the minus strand). VCF-style: chr17-67357330-C-G. GRCh37 (hg19) VCF-style: chr17-65353446-C-G.
Other names: c.93G>C, p.Leu31Phe (NM_001316341.2); c.210G>C, p.Leu70Phe (NM_174871.4); short protein forms L31F, L70F, L90F.
Identifiers: ClinVar variation 3373329 (VCV003373329.2).

ClinVar aggregate classification (germline): Uncertain significance (1 of 4 stars; one submission).

gnomAD v4.1: 6 of 1,613,258 alleles (0.00037%); highest among the groups gnomAD compares: Non-Finnish European, 0.00051%; no homozygotes.

Submission:

GeneDx
Classification: Uncertain significance. Last evaluated: 2025-08-12. Review status: criteria provided, single submitter. Criteria: GeneDx Variant Classification Process June 2021. Collection method: clinical testing. Allele origin: germline. Affected: yes.
Comment: Not observed at significant frequency in large population cohorts (gnomAD); In silico analysis supports that this missense variant has a deleterious effect on protein structure/function; Has not been previously published as pathogenic or benign to our knowledge